The following is an entry in ClinVar:

ClinVar aggregate classification (germline): Pathogenic/Likely pathogenic. Review status: criteria provided, multiple submitters, no conflicts (2 of 4 stars). 2 submissions from 2 submitters: Pathogenic (1); Likely pathogenic (1). Last evaluated 2021-12-25.

Conditions:
Familial melanoma. Also called: Hereditary melanoma; Hereditary cutaneous melanoma. Identifiers: Orphanet 618, MedGen C1512419, MONDO:0018961.

Submissions (2):

Labcorp Genetics (formerly Invitae), Labcorp
Classification: Pathogenic for Familial melanoma. Last evaluated: 2021-12-25. Review status: criteria provided, single submitter. Criteria: Invitae Variant Classification Sherloc (09022015). Collection method: clinical testing. Allele origin: germline.
Comment: This sequence change creates a premature translational stop signal (p.Ala102Argfs*18) in the CDKN2A (p16INK4a) gene. It is expected to result in an absent or disrupted protein product. Loss-of-function variants in CDKN2A (p16INK4a) are known to be pathogenic (PMID: 15146471, 16905682). Alternatively, this sequence change creates a premature translational stop signal (p.Gly116Alafs*45) in the CDKN2A (p14ARF). While this is not anticipated to result in nonsense mediated decay, it is expected to disrupt the last 17 amino acids and extend the CDKN2A (p14ARF) protein by 27 amino acids. This variant is not present in population databases (gnomAD no frequency). This variant has been observed in individual(s) with cutaneous melanoma (PMID: 22841127). For these reasons, this variant has been classified as Pathogenic. While the evidence indicates that this variant confers risk of developing CDKN2A (p16INK4a)-associated conditions, its association with risk for developing CDKN2A (p14ARF)-associated conditions is still unclear. The CDKN2A gene encodes two different proteins, p16INK4a and p14ARF, which are translated from alternative transcripts that have different open reading frames.

Revvity Omics, Revvity
Classification: Likely pathogenic. Last evaluated: 2021-08-26. Review status: criteria provided, single submitter. Criteria: ACMG Guidelines, 2015. Collection method: clinical testing. Allele origin: germline.

Literature cited by the submitters: PubMed 15146471 (cited by Labcorp Genetics (formerly Invitae), Labcorp); PubMed 16905682 (cited by Labcorp Genetics (formerly Invitae), Labcorp); PubMed 22841127 (cited by Labcorp Genetics (formerly Invitae), Labcorp).

NM_000077.5(CDKN2A):c.303_304insC (p.Ala102fs)

Gene: CDKN2A (cyclin dependent kinase inhibitor 2A; minus strand). Cytogenetic location: 9p21.3.
Variant type: Insertion.
Coding change: c.303_304insC on transcript NM_000077.5; coding-DNA positions 303 to 304, C inserted.
Protein change: p.Ala102fs; shifts the reading frame from alanine 102.
Molecular consequence: frameshift variant (on NM_000077.6). On other transcripts: 3 prime UTR variant (1).
Genome position: GRCh38 VCF-style: chr9-21971055-C-CG. GRCh37 (hg19) VCF-style: chr9-21971054-C-CG.
Other names: c.303_304insC, p.Ala102Argfs (NM_000077.6); c.303_304insC, p.Ala102fs (NM_001195132.2); c.150_151insC, p.Ala51fs (NM_001363763.2); c.346_347insC, p.Gly116fs (NM_058195.4); c.*226_*227insC (NM_058197.5); short protein forms A51fs, A102fs, G116fs.
Identifiers: ClinVar variation 2060012 (VCV002060012.6), dbSNP rs2131094090, ClinGen allele CA2580080315.